The following is an entry in ClinVar:

ClinVar aggregate classification (germline): Conflicting classifications of pathogenicity. Review status: criteria provided, conflicting classifications (1 of 4 stars). 2 submissions from 2 submitters: Uncertain significance (1); Likely benign (1). Last evaluated 2025-09-10.

Submissions (2):

Labcorp Genetics (formerly Invitae), Labcorp
Classification: Uncertain significance. Last evaluated: 2025-09-10. Review status: criteria provided, single submitter. Criteria: Invitae Variant Classification Sherloc (09022015). Collection method: clinical testing. Allele origin: germline.
Comment: This variant, c.51_62del, results in the deletion of 4 amino acid(s) of the KIF22 protein (p.Ser18_Ala21del), but otherwise preserves the integrity of the reading frame. This variant is present in population databases (rs762787353, gnomAD 0.06%), including at least one homozygous and/or hemizygous individual. This variant has not been reported in the literature in individuals affected with KIF22-related conditions. ClinVar contains an entry for this variant (Variation ID: 2139719). Experimental studies and prediction algorithms are not available or were not evaluated, and the functional significance of this variant is currently unknown. In summary, the available evidence is currently insufficient to determine the role of this variant in disease. Therefore, it has been classified as a Variant of Uncertain Significance.

Blueprint Genetics
Classification: Likely benign. Last evaluated: 2024-11-26. Review status: criteria provided, single submitter. Criteria: ACMG Guidelines, 2015. Collection method: clinical testing. Allele origin: germline.

NM_007317.3(KIF22):c.51_62del (p.Ser18_Ala21del)

Gene: KIF22 (kinesin family member 22; plus strand). Cytogenetic location: 16p11.2.
Variant type: Deletion.
Coding change: c.51_62del on transcript NM_007317.3 (MANE Select); coding-DNA positions 51 to 62, 12 bases deleted (TTCAGCGGCGGC).
Protein change: p.Ser18_Ala21del.
Molecular consequence: inframe deletion. On other transcripts: 5 prime UTR variant (1).
Genome position (GRCh38, 1-based): chr16:29,790,810-29,790,821, TTCAGCGGCGGC deleted; deleting any 12 consecutive bases within chr16:29,790,808-29,790,821 gives the same sequence; the c. name uses the placement nearest the transcript's 3' end. VCF-style (leftmost placement, unchanged base first): chr16-29790807-AGCTTCAGCGGCG-A. GRCh37 (hg19) VCF-style: chr16-29802128-AGCTTCAGCGGCG-A.
Other names: c.-203_-192del (NM_001256269.2).
Identifiers: ClinVar variation 2139719 (VCV002139719.5), dbSNP rs762787353, ClinGen allele CA7992872.